The following is an entry in ClinVar:

NM_015602.4(TOR1AIP1):c.404C>T (p.Ser135Leu)

Genes: TOR1AIP1 (torsin 1A interacting protein 1; plus strand), LOC112577517 (Sharpr-MPRA regulatory region 13766; plus strand). Cytogenetic location: 1q25.2.
Variant type: single nucleotide variant.
Coding change: c.404C>T on transcript NM_015602.4 (MANE Select); coding-DNA position 404, C replaced by T.
Protein change: p.Ser135Leu; replaces serine 135 with leucine.
Molecular consequence: missense variant.
Genome position (GRCh38, 1-based): chr1:179,882,906, C>T. VCF-style: chr1-179882906-C-T. GRCh37 (hg19) VCF-style: chr1-179852041-C-T.
Other names: c.404C>T, p.Ser135Leu (NM_001267578.2); c.404C>T (NM_015602.2, NM_001267578.1); short protein forms S135L.
Identifiers: ClinVar variation 1064307 (VCV001064307.9), dbSNP rs760733600, ClinGen allele CA1268744.

ClinVar aggregate classification (germline): Uncertain significance. Review status: criteria provided, multiple submitters, no conflicts (2 of 4 stars). 5 submissions from 5 submitters: Uncertain significance (5). Last evaluated 2025-04-02.

Conditions:
Inborn genetic diseases. Identifiers: MedGen C0950123, MeSH D030342.
Autosomal recessive limb-girdle muscular dystrophy type 2Y (MRRSDC). Also called: Muscular dystrophy, limb-girdle, type 2y; Muscular dystrophy, autosomal recessive, with rigid spine and distal joint contractures. Identifiers: Orphanet 424261, MedGen C4511482, MONDO:0014900, OMIM 617072.

Allele frequency attached by ClinVar (database versions not stated): ExAC 0.00006; gnomAD exomes 0.00011 and 0.00002; TOPMed 0.00003; gnomAD 0.00001.
gnomAD v4.1: 32 of 1,613,960 alleles (0.002%); highest among the groups gnomAD compares: Admixed American, 0.048%; no homozygotes.

Submissions (5):

Revvity Omics, Revvity
Classification: Uncertain significance. Last evaluated: 2025-04-02. Review status: criteria provided, single submitter. Criteria: ACMG Guidelines, 2015. Collection method: clinical testing. Allele origin: germline.

Genome-Nilou Lab
Classification: Uncertain significance for Autosomal recessive limb-girdle muscular dystrophy type 2Y. Last evaluated: 2023-04-11. Review status: criteria provided, single submitter. Criteria: ACMG Guidelines, 2015. Collection method: clinical testing. Allele origin: germline. Affected: no.

GeneDx
Classification: Uncertain significance. Last evaluated: 2023-03-10. Review status: criteria provided, single submitter. Criteria: GeneDx Variant Classification Process June 2021. Collection method: clinical testing. Allele origin: germline. Affected: yes.
Comment: In silico analysis supports that this missense variant has a deleterious effect on protein structure/function; Has not been previously published as pathogenic or benign to our knowledge

Ambry Genetics
Classification: Uncertain significance for Inborn genetic diseases. Last evaluated: 2022-11-30. Review status: criteria provided, single submitter. Criteria: Ambry Variant Classification Scheme 2023. Collection method: clinical testing. Allele origin: germline.

Labcorp Genetics (formerly Invitae), Labcorp
Classification: Uncertain significance for Autosomal recessive limb-girdle muscular dystrophy type 2Y. Last evaluated: 2022-08-10. Review status: criteria provided, single submitter. Criteria: Invitae Variant Classification Sherloc (09022015). Collection method: clinical testing. Allele origin: germline.
Comment: This sequence change replaces serine, which is neutral and polar, with leucine, which is neutral and non-polar, at codon 135 of the TOR1AIP1 protein (p.Ser135Leu). This variant is present in population databases (rs760733600, gnomAD 0.08%). This variant has not been reported in the literature in individuals affected with TOR1AIP1-related conditions. ClinVar contains an entry for this variant (Variation ID: 1064307). Algorithms developed to predict the effect of missense changes on protein structure and function are either unavailable or do not agree on the potential impact of this missense change (SIFT: "Deleterious"; PolyPhen-2: "Benign"; Align-GVGD: "Class C0"). In summary, the available evidence is currently insufficient to determine the role of this variant in disease. Therefore, it has been classified as a Variant of Uncertain Significance.